The following is an entry in ClinVar:

NM_000540.3(RYR1):c.10766C>G (p.Pro3589Arg)

Gene: RYR1 (ryanodine receptor 1; plus strand). Cytogenetic location: 19q13.2.
Variant type: single nucleotide variant.
Coding change: c.10766C>G on transcript NM_000540.3 (MANE Select); coding-DNA position 10766, C replaced by G.
Protein change: p.Pro3589Arg; replaces proline 3589 with arginine.
Molecular consequence: missense variant.
Genome position (GRCh38, 1-based): chr19:38,527,726, C>G. VCF-style: chr19-38527726-C-G. GRCh37 (hg19) VCF-style: chr19-39018366-C-G.
Other names: c.10751C>G, p.Pro3584Arg (NM_001042723.2); short protein forms P3584R, P3589R.
Identifiers: ClinVar variation 3664947 (VCV003664947.4).
Genomic context (GRCh38, chr19:38,527,726, plus strand): 5'-TGCGCTGGCAGATGGCTCTGTACCGGGGCGTCCCGGGTCGCGAGGAGGACGCCGATGACC[C>G]CGAGAAAATCGTGCGCAGAGTCCAGGAAGTGTCAGCCGTGCTCTACTACCTGGACCAGGT-3'
Protein context (NP_000531.2, residues 3579-3599): VPGREEDADD[Pro3589Arg]EKIVRRVQEV

ClinVar aggregate classification (germline): Uncertain significance. Review status: criteria provided, multiple submitters, no conflicts (2 of 4 stars). 3 submissions from 3 submitters: Uncertain significance (3). Last evaluated 2025-09-01.

Conditions:
RYR1-related disorder. Also called: RYR1-related condition; RYR1-related disorders. Identifiers: MedGen CN239331.
Malignant hyperthermia, susceptibility to, 1 (MHS1). Also called: Anesthesia related hyperthermia; Malignant hyperpyrexia; Fulminating hyperpyrexia; Pharmacogenic myopathy; RYR1-Related Malignant Hyperthermia Susceptibility; Malignant hyperthermia suceptibility 1. Identifiers: Orphanet 423, MedGen C2930980, MONDO:0007783, OMIM 145600.

gnomAD v4.1: 11 of 1,614,116 alleles (0.00068%); highest among the groups gnomAD compares: Non-Finnish European, 0.00093%; no homozygotes.

Submissions (3):

Color Diagnostics, LLC DBA Color Health
Classification: Uncertain significance for Malignant hyperthermia, susceptibility to, 1. Last evaluated: 2025-09-01. Review status: criteria provided, single submitter. Criteria: ACMG Guidelines, 2015. Collection method: clinical testing. Allele origin: germline.
Comment: This missense variant replaces proline with arginine at codon 3589 of the RYR1 protein. Computational prediction is inconclusive regarding the impact of this variant on protein structure and function. To our knowledge, functional studies have not been reported for this variant. This variant has not been reported in individuals affected with RYR1-related disorders in the literature. This variant has been identified in 1/251250 chromosomes in the general population by the Genome Aggregation Database (gnomAD). The available evidence is insufficient to determine the role of this variant in disease conclusively. Therefore, this variant is classified as a Variant of Uncertain Significance.

Labcorp Genetics (formerly Invitae), Labcorp
Classification: Uncertain significance for RYR1-related disorder. Last evaluated: 2024-09-11. Review status: criteria provided, single submitter. Criteria: Invitae Variant Classification Sherloc (09022015). Collection method: clinical testing. Allele origin: germline.
Comment: This sequence change replaces proline, which is neutral and non-polar, with arginine, which is basic and polar, at codon 3589 of the RYR1 protein (p.Pro3589Arg). This variant is present in population databases (rs748082431, gnomAD 0.0009%). This variant has not been reported in the literature in individuals affected with RYR1-related conditions. Invitae Evidence Modeling of protein sequence and biophysical properties (such as structural, functional, and spatial information, amino acid conservation, physicochemical variation, residue mobility, and thermodynamic stability) indicates that this missense variant is expected to disrupt RYR1 protein function with a positive predictive value of 95%. In summary, the available evidence is currently insufficient to determine the role of this variant in disease. Therefore, it has been classified as a Variant of Uncertain Significance.

GeneDx
Classification: Uncertain significance. Last evaluated: 2024-08-28. Review status: criteria provided, single submitter. Criteria: GeneDx Variant Classification Process June 2021. Collection method: clinical testing. Allele origin: germline. Affected: yes.
Comment: Not observed at significant frequency in large population cohorts (gnomAD); In silico analysis supports that this missense variant has a deleterious effect on protein structure/function; Has not been previously published as pathogenic or benign to our knowledge